The following is an entry in ClinVar:

ClinVar aggregate classification (germline): Likely pathogenic (1 of 4 stars; one submission).

Submission:

Centre of Medical Genetics, University Hospital Muenster
Classification: Likely pathogenic. Last evaluated: 2024-04-22. Review status: criteria provided, single submitter. Criteria: ACMG Guidelines, 2015. Collection method: clinical testing. Allele origin: unknown. Affected: yes. Observed: 1 variant allele, 1 heterozygote.
Comment: ACMG categories: PVS1,PM2_sup

NM_001114753.3(ENG):c.583G>T (p.Glu195Ter)

Gene: ENG (endoglin; minus strand). Cytogenetic location: 9q34.11.
Variant type: single nucleotide variant.
Coding change: c.583G>T on transcript NM_001114753.3 (MANE Select); coding-DNA position 583, G replaced by T.
Protein change: p.Glu195Ter; replaces glutamic acid 195 with a stop codon.
Molecular consequence: nonsense.
Genome position (GRCh38, 1-based): chr9:127,825,801, C>A on the plus strand (G>T on the coding strand, the complement: ENG is on the minus strand). VCF-style: chr9-127825801-C-A. GRCh37 (hg19) VCF-style: chr9-130588080-C-A.
Other names: c.583G>T, p.Glu195Ter (NM_000118.4, NM_001406715.1); c.37G>T, p.Glu13Ter (NM_001278138.2); short protein forms E13*, E195*.
Identifiers: ClinVar variation 4526377 (VCV004526377.1).